The following is an entry in ClinVar:

NM_138715.3(MSR1):c.1034-17_1034-10del

Gene: MSR1 (macrophage scavenger receptor 1; minus strand). Cytogenetic location: 8p22.
Variant type: Deletion.
Coding change: c.1034-17_1034-10del on transcript NM_138715.3 (MANE Select); 17 bases into the intron before coding-DNA position 1034 through 10 bases into the intron before coding-DNA position 1034, 8 bases deleted (TTTTTTTA; older notation c.1034-17_1034-10delTTTTTTTA).
Molecular consequence: intron variant.
Genome position (GRCh38, 1-based): chr8:16,120,616-16,120,623, TAAAAAAA deleted on the plus strand (TTTTTTTA on the coding strand, the reverse complement: MSR1 is on the minus strand). VCF-style (leftmost placement, unchanged base first): chr8-16120615-TTAAAAAAA-T. GRCh37 (hg19) VCF-style: chr8-15978124-TTAAAAAAA-T.
Other names: c.1034-10405_1034-10398del (NM_138716.3); c.1088-17_1088-10del (NM_001363744.1).
Identifiers: ClinVar variation 3042130 (VCV003042130.2), dbSNP rs751806093, ClinGen allele CA4640959.

ClinVar aggregate classification (germline): Benign (0 of 4 stars; one submission).

Conditions:
MSR1-related disorder. Also called: MSR1-related condition.

Allele frequency attached by ClinVar (database versions not stated): gnomAD exomes 0.00074; ExAC 0.00917.

Submission:

PreventionGenetics, part of Exact Sciences
Classification: Benign for MSR1-related condition. Last evaluated: 2019-10-31. Review status: no assertion criteria provided. Collection method: clinical testing. Allele origin: germline.
Comment: This variant is classified as benign based on ACMG/AMP sequence variant interpretation guidelines (Richards et al. 2015 PMID: 25741868, with internal and published modifications).